The following is an entry in ClinVar:

NM_021096.4(CACNA1I):c.3325A>T (p.Met1109Leu)

Gene: CACNA1I (calcium voltage-gated channel subunit alpha1 I; plus strand). Cytogenetic location: 22q13.1.
Variant type: single nucleotide variant.
Coding change: c.3325A>T on transcript NM_021096.4 (MANE Select); coding-DNA position 3325, A replaced by T.
Protein change: p.Met1109Leu; replaces methionine 1109 with leucine.
Molecular consequence: missense variant.
Genome position (GRCh38, 1-based): chr22:39,662,388, A>T. VCF-style: chr22-39662388-A-T. GRCh37 (hg19) VCF-style: chr22-40058393-A-T.
Other names: c.3220A>T, p.Met1074Leu (NM_001003406.2); short protein forms M1074L, M1109L.
Identifiers: ClinVar variation 719555 (VCV000719555.30), dbSNP rs58021347, ClinGen allele CA10244368.

ClinVar aggregate classification (germline): Likely benign. Review status: criteria provided, multiple submitters, no conflicts (2 of 4 stars). 5 submissions from 5 submitters: Likely benign (5). Last evaluated 2026-09-01.

Conditions:
CACNA1I-related disorder. Also called: CACNA1I-related condition.

Allele frequency attached by ClinVar (database versions not stated): 1000 Genomes Project 30x 0.00078; 1000 Genomes Project 0.00100; gnomAD exomes 0.00261 and 0.00544; ExAC 0.00285; gnomAD 0.00292 and 0.00297; TOPMed 0.00299; ESP Exome Variant Server 0.00380.

Submissions (5):

CeGaT Center for Human Genetics Tuebingen
Classification: Likely benign. Last evaluated: 2026-09-01. Review status: criteria provided, single submitter. Criteria: CeGaT Center For Human Genetics Tuebingen Variant Classification Criteria Version 2. Collection method: clinical testing. Allele origin: germline. Affected: yes. Observed: 4 variant alleles.
Comment: CACNA1I: BS2

Blueprint Genetics
Classification: Likely benign. Last evaluated: 2024-11-23. Review status: criteria provided, single submitter. Criteria: ACMG Guidelines, 2015. Collection method: clinical testing. Allele origin: germline.

PreventionGenetics, part of Exact Sciences
Classification: Likely benign for CACNA1I-related condition. Last evaluated: 2024-10-19. Review status: criteria provided, single submitter. Criteria: ACMG Guidelines, 2015. Collection method: clinical testing. Allele origin: germline.
Comment: This variant is classified as likely benign based on ACMG/AMP sequence variant interpretation guidelines (Richards et al. 2015 PMID: 25741868, with internal and published modifications).

Labcorp Genetics (formerly Invitae), Labcorp
Classification: Likely benign. Last evaluated: 2018-12-11. Review status: criteria provided, single submitter. Criteria: Invitae Variant Classification Sherloc (09022015). Collection method: clinical testing. Allele origin: germline.

Breakthrough Genomics
Classification: Likely benign. Review status: criteria provided, single submitter. Criteria: ACMG Guidelines, 2015. Collection method: not provided. Allele origin: germline. Inheritance: Autosomal dominant inheritance. Affected: yes.